The following is an entry in ClinVar:

ClinVar aggregate classification (germline): Uncertain significance (1 of 4 stars; one submission).

Conditions:
Primary ciliary dyskinesia. Also called: Ciliary dyskinesia. Identifiers: Orphanet 244, MedGen C0008780, MONDO:0016575, HP:0012265.

gnomAD v4.1: 1 of 1,613,542 alleles (0.000062%); highest among the groups gnomAD compares: African/African-American, 0.0013%; no homozygotes.

Submission:

Labcorp Genetics (formerly Invitae), Labcorp
Classification: Uncertain significance for Primary ciliary dyskinesia. Last evaluated: 2023-02-14. Review status: criteria provided, single submitter. Criteria: Invitae Variant Classification Sherloc (09022015). Collection method: clinical testing. Allele origin: germline.
Comment: This variant has not been reported in the literature in individuals affected with DNAH11-related conditions. This sequence change replaces isoleucine, which is neutral and non-polar, with phenylalanine, which is neutral and non-polar, at codon 1639 of the DNAH11 protein (p.Ile1639Phe). This variant is not present in population databases (gnomAD no frequency). Advanced modeling of protein sequence and biophysical properties (such as structural, functional, and spatial information, amino acid conservation, physicochemical variation, residue mobility, and thermodynamic stability) performed at Invitae indicates that this missense variant is not expected to disrupt DNAH11 protein function. In summary, the available evidence is currently insufficient to determine the role of this variant in disease. Therefore, it has been classified as a Variant of Uncertain Significance.

NM_001277115.2(DNAH11):c.4915A>T (p.Ile1639Phe)

Gene: DNAH11 (dynein axonemal heavy chain 11; plus strand). Cytogenetic location: 7p15.3.
Variant type: single nucleotide variant.
Coding change: c.4915A>T on transcript NM_001277115.2 (MANE Select); coding-DNA position 4915, A replaced by T.
Protein change: p.Ile1639Phe; replaces isoleucine 1639 with phenylalanine.
Molecular consequence: missense variant.
Genome position (GRCh38, 1-based): chr7:21,639,036, A>T. VCF-style: chr7-21639036-A-T. GRCh37 (hg19) VCF-style: chr7-21678654-A-T.
Other names: c.4930A>T, p.Ile1644Phe (NM_003777.3); short protein forms I1644F, I1639F.
Identifiers: ClinVar variation 2837555 (VCV002837555.3), dbSNP rs777191347, ClinGen allele CA366934718.